The following is an entry in ClinVar:

NM_001110556.2(FLNA):c.3573G>A (p.Ala1191=)

Gene: FLNA (filamin A; minus strand). Cytogenetic location: Xq28.
Variant type: single nucleotide variant.
Coding change: c.3573G>A on transcript NM_001110556.2 (MANE Select); coding-DNA position 3573, G replaced by A.
Protein change: p.Ala1191=; no amino-acid change (alanine 1191 retained).
Molecular consequence: synonymous variant.
Genome position (GRCh38, 1-based): chrX:154,360,222, C>T on the plus strand (G>A on the coding strand, the complement: FLNA is on the minus strand). VCF-style: chrX-154360222-C-T. GRCh37 (hg19) VCF-style: chrX-153588590-C-T.
Other names: c.3573G>A, p.Ala1191= (NM_001456.4).
Identifiers: ClinVar variation 379321 (VCV000379321.36), dbSNP rs782300292, ClinGen allele CA10560690.

ClinVar aggregate classification (germline): Likely benign. Review status: criteria provided, multiple submitters, no conflicts (2 of 4 stars). 5 submissions from 5 submitters: Likely benign (5). Last evaluated 2025-11-27.

Conditions:
Heterotopia, periventricular, X-linked dominant (PVNH1). Also called: PERIVENTRICULAR NODULAR HETEROTOPIA 4; HETEROTOPIA, PERIVENTRICULAR, 1; X-linked periventricular heterotopia; PERIVENTRICULAR NODULAR HETEROTOPIA 1. Identifiers: Orphanet 2149, Orphanet 82004, MedGen C1848213, MONDO:0010233, OMIM 300049.
Frontometaphyseal dysplasia (FMD1). Identifiers: Orphanet 1826, MedGen C0265293, MONDO:0015942.
Oto-palato-digital syndrome, type II (OPD2). Also called: Otopalatodigital Syndrome, Type II; OPD II SYNDROME; Otopalatodigital Syndrome Type 2 (FLNA-OPD2); FACIOPALATOOSSEOUS SYNDROME. Identifiers: Orphanet 669, Orphanet 90652, MedGen C1844696, MONDO:0010571, OMIM 304120.
Melnick-Needles syndrome (MNS). Also called: OSTEODYSPLASTY OF MELNICK AND NEEDLES; Melnick-Needles Syndrome (FLNA-MNS); MELNICK-NEEDLES OSTEODYSPLASTY. Identifiers: Orphanet 2484, MedGen C0025237, MONDO:0010650, OMIM 309350.
Familial thoracic aortic aneurysm and aortic dissection (TAAD). Also called: Thoracic aortic aneurysms and dissections. Identifiers: Orphanet 91387, MedGen C4707243, MONDO:0019625.

Allele frequency attached by ClinVar (database versions not stated): ExAC 0.00001; gnomAD 0.00001; gnomAD exomes 0.00002; TOPMed 0.00002.
gnomAD v4.1: 22 of 1,210,752 alleles (0.0018%); highest among the groups gnomAD compares: East Asian, 0.012%; no homozygotes.

Submissions (5):

Labcorp Genetics (formerly Invitae), Labcorp
Classification: Likely benign for Oto-palato-digital syndrome, type II; Heterotopia, periventricular, X-linked dominant; Frontometaphyseal dysplasia; Melnick-Needles syndrome. Last evaluated: 2025-11-27. Review status: criteria provided, single submitter. Criteria: Invitae Variant Classification Sherloc (09022015). Collection method: clinical testing. Allele origin: germline.

Blueprint Genetics
Classification: Likely benign. Last evaluated: 2024-06-13. Review status: criteria provided, single submitter. Criteria: ACMG Guidelines, 2015. Collection method: clinical testing. Allele origin: germline.

CeGaT Center for Human Genetics Tuebingen
Classification: Likely benign. Last evaluated: 2023-08-01. Review status: criteria provided, single submitter. Criteria: CeGaT Center For Human Genetics Tuebingen Variant Classification Criteria Version 2. Collection method: clinical testing. Allele origin: germline. Affected: yes. Observed: 1 variant allele.
Comment: FLNA: BP4, BP7, BS2

Ambry Genetics
Classification: Likely benign for Familial thoracic aortic aneurysm and aortic dissection. Last evaluated: 2020-06-03. Review status: criteria provided, single submitter. Criteria: Ambry Variant Classification Scheme 2023. Collection method: clinical testing. Allele origin: germline.

GeneDx
Classification: Likely benign. Last evaluated: 2015-11-06. Review status: criteria provided, single submitter. Criteria: GeneDx Variant Classification (06012015). Collection method: clinical testing. Allele origin: germline. Affected: yes.
Comment: This variant is considered likely benign or benign based on one or more of the following criteria: it is a conservative change, it occurs at a poorly conserved position in the protein, it is predicted to be benign by multiple in silico algorithms, and/or has population frequency not consistent with disease.